The following is an entry in ClinVar:

ClinVar aggregate classification (germline): Uncertain significance. Review status: criteria provided, multiple submitters, no conflicts (2 of 4 stars). 5 submissions from 5 submitters: Uncertain significance (5). Last evaluated 2025-06-22.

Conditions:
Shukla-Vernon syndrome. Identifiers: MedGen C5193146, MONDO:0026727, OMIM 301029.

Submissions (5):

Ambry Genetics
Classification: Uncertain significance. Last evaluated: 2025-06-22. Review status: criteria provided, single submitter. Criteria: Ambry Variant Classification Scheme 2023. Collection method: clinical testing. Allele origin: germline.

Blueprint Genetics
Classification: Uncertain significance. Last evaluated: 2024-10-23. Review status: criteria provided, single submitter. Criteria: ACMG Guidelines, 2015. Collection method: clinical testing. Allele origin: germline.

CeGaT Center for Human Genetics Tuebingen
Classification: Uncertain significance. Last evaluated: 2023-10-01. Review status: criteria provided, single submitter. Criteria: CeGaT Center For Human Genetics Tuebingen Variant Classification Criteria Version 2. Collection method: clinical testing. Allele origin: germline. Affected: yes. Observed: 1 variant allele.
Comment: BCORL1: PM2, BP4

Fulgent Genetics
Classification: Uncertain significance for Shukla-Vernon syndrome. Last evaluated: 2022-03-21. Review status: criteria provided, single submitter. Criteria: ACMG Guidelines, 2015. Collection method: clinical testing. Allele origin: unknown.

Labcorp Genetics (formerly Invitae), Labcorp
Classification: Uncertain significance. Last evaluated: 2021-10-25. Review status: criteria provided, single submitter. Criteria: Invitae Variant Classification Sherloc (09022015). Collection method: clinical testing. Allele origin: germline.
Comment: In summary, the available evidence is currently insufficient to determine the role of this variant in disease. Therefore, it has been classified as a Variant of Uncertain Significance. Algorithms developed to predict the effect of missense changes on protein structure and function are either unavailable or do not agree on the potential impact of this missense change (SIFT: "Tolerated"; PolyPhen-2: "Possibly Damaging"; Align-GVGD: "Class C0"). This variant has not been reported in the literature in individuals affected with BCORL1-related conditions. This variant is present in population databases (rs373723553, ExAC 0.02%). This sequence change replaces serine with cysteine at codon 1192 of the BCORL1 protein (p.Ser1192Cys). The serine residue is moderately conserved and there is a moderate physicochemical difference between serine and cysteine.

NM_001379451.1(BCORL1):c.3575C>G (p.Ser1192Cys)

Gene: BCORL1 (BCL6 corepressor like 1; plus strand). Cytogenetic location: Xq26.1.
Variant type: single nucleotide variant.
Coding change: c.3575C>G on transcript NM_001379451.1 (MANE Select); coding-DNA position 3575, C replaced by G.
Protein change: p.Ser1192Cys; replaces serine 1192 with cysteine.
Molecular consequence: missense variant.
Genome position (GRCh38, 1-based): chrX:130,021,118, C>G. VCF-style: chrX-130021118-C-G. GRCh37 (hg19) VCF-style: chrX-129155093-C-G.
Other names: c.3575C>G, p.Ser1192Cys (NM_001184772.3, NM_001379450.1, NM_021946.5); short protein forms S1192C.
Identifiers: ClinVar variation 1364024 (VCV001364024.33), dbSNP rs373723553, ClinGen allele CA10514535.